The following is an entry in ClinVar:

NM_000368.5(TSC1):c.434A>G (p.Gln145Arg)

Gene: TSC1 (TSC complex subunit 1; minus strand). Cytogenetic location: 9q34.13.
Variant type: single nucleotide variant.
Coding change: c.434A>G on transcript NM_000368.5 (MANE Select); coding-DNA position 434, A replaced by G.
Protein change: p.Gln145Arg; replaces glutamine 145 with arginine.
Molecular consequence: missense variant.
Genome position (GRCh38, 1-based): chr9:132,923,422, T>C on the plus strand (A>G on the coding strand, the complement: TSC1 is on the minus strand). VCF-style: chr9-132923422-T-C. GRCh37 (hg19) VCF-style: chr9-135798809-T-C.
Other names: c.434A>G, p.Gln145Arg (NM_001162426.2); c.281A>G, p.Gln94Arg (NM_001162427.2); c.71A>G, p.Gln24Arg (NM_001362177.2); short protein forms Q24R, Q94R, Q145R.
Identifiers: ClinVar variation 1473908 (VCV001473908.8), dbSNP rs2132190023, ClinGen allele CA375373449.

ClinVar aggregate classification (germline): Uncertain significance (1 of 4 stars; one submission).

Conditions:
Tuberous sclerosis 1 (TSC1). Identifiers: Orphanet 805, MedGen C1854465, MONDO:0008612, OMIM 191100.

Submission:

Labcorp Genetics (formerly Invitae), Labcorp
Classification: Uncertain significance for Tuberous sclerosis 1. Last evaluated: 2023-01-03. Review status: criteria provided, single submitter. Criteria: Invitae Variant Classification Sherloc (09022015). Collection method: clinical testing. Allele origin: germline.
Comment: In summary, the available evidence is currently insufficient to determine the role of this variant in disease. Therefore, it has been classified as a Variant of Uncertain Significance. Advanced modeling of protein sequence and biophysical properties (such as structural, functional, and spatial information, amino acid conservation, physicochemical variation, residue mobility, and thermodynamic stability) performed at Invitae indicates that this missense variant is not expected to disrupt TSC1 protein function. ClinVar contains an entry for this variant (Variation ID: 1473908). This variant has not been reported in the literature in individuals affected with TSC1-related conditions. This variant is not present in population databases (gnomAD no frequency). This sequence change replaces glutamine, which is neutral and polar, with arginine, which is basic and polar, at codon 145 of the TSC1 protein (p.Gln145Arg).